The following is an entry in ClinVar:

ClinVar aggregate classification (germline): Uncertain significance (1 of 4 stars; one submission).

Submission:

Labcorp Genetics (formerly Invitae), Labcorp
Classification: Uncertain significance. Last evaluated: 2024-06-26. Review status: criteria provided, single submitter. Criteria: Invitae Variant Classification Sherloc (09022015). Collection method: clinical testing. Allele origin: germline.
Comment: This sequence change replaces arginine, which is basic and polar, with serine, which is neutral and polar, at codon 3992 of the HSPG2 protein (p.Arg3992Ser). This variant is present in population databases (rs150012971, gnomAD 0.03%). This missense change has been observed in individual(s) with developmental delay and hearing loss (PMID: 31985533). ClinVar contains an entry for this variant (Variation ID: 1498813). An algorithm developed to predict the effect of missense changes on protein structure and function (PolyPhen-2) suggests that this variant is likely to be disruptive. In summary, the available evidence is currently insufficient to determine the role of this variant in disease. Therefore, it has been classified as a Variant of Uncertain Significance.

Literature cited by the submitters: PubMed 31985533.

NM_005529.7(HSPG2):c.11974C>A (p.Arg3992Ser)

Gene: HSPG2 (heparan sulfate proteoglycan 2; minus strand). Cytogenetic location: 1p36.12.
Variant type: single nucleotide variant.
Coding change: c.11974C>A on transcript NM_005529.7 (MANE Select); coding-DNA position 11974, C replaced by A.
Protein change: p.Arg3992Ser; replaces arginine 3992 with serine.
Molecular consequence: missense variant.
Genome position (GRCh38, 1-based): chr1:21,829,401, G>T on the plus strand (C>A on the coding strand, the complement: HSPG2 is on the minus strand). VCF-style: chr1-21829401-G-T. GRCh37 (hg19) VCF-style: chr1-22155894-G-T.
Other names: c.11977C>A, p.Arg3993Ser (NM_001291860.2); short protein forms R3993S, R3992S.
Identifiers: ClinVar variation 1498813 (VCV001498813.4), dbSNP rs150012971, ClinGen allele CA669566.
Genomic context (GRCh38, chr1:21,829,401, plus strand): 5'-GGCTTGGTGTGCAGAGCCCCGCATTTGGTGCTGGGTGCTTACCTGACCCCAACTCATAGC[G>T]GAACTCCAGGTGGCCGCCCACCATCGCCAGGGACACGAAGTCCTCCACAGGCCCGCTCTT-3'
Protein context (NP_005520.4, residues 3982-4002): LAMVGGHLEF[Arg3992Ser]YELGSGLAVL